The following is an entry in ClinVar:

NM_001114122.3(CHEK1):c.613_613+1delinsTT

Gene: CHEK1 (checkpoint kinase 1; plus strand). Cytogenetic location: 11q24.2.
Variant type: Indel.
Coding change: c.613_613+1delinsTT on transcript NM_001114122.3 (MANE Select); coding-DNA position 613 through the canonical splice donor site of the intron after coding-DNA position 613, GG replaced by TT.
Molecular consequence: splice donor variant.
Genome position (GRCh38, 1-based): chr11:125,633,351-125,633,352, GG replaced by TT. VCF-style: chr11-125633351-GG-TT. GRCh37 (hg19) VCF-style: chr11-125503246-GG-TT.
Other names: c.613_613+1delinsTT (NM_001114121.2, NM_001244846.1, NM_001274.5); c.310_310+1delinsTT (NM_001330427.2); c.331_331+1delinsTT (NM_001330428.1).
Identifiers: ClinVar variation 3348743 (VCV003348743.1).

ClinVar aggregate classification (germline): Uncertain significance (0 of 4 stars; one submission).

Conditions:
CHEK1-related disorder. Also called: CHEK1-related condition.

Submission:

PreventionGenetics, part of Exact Sciences
Classification: Uncertain significance for CHEK1-related condition. Last evaluated: 2024-03-18. Review status: no assertion criteria provided. Collection method: clinical testing. Allele origin: germline.
Comment: The CHEK1 c.661_661+1delinsTT variant is predicted to result in an in-frame deletion and insertion. This variant results in the deletion of the canonical splice donor site (Alamut Visual 1.6.1). To our knowledge, this variant has not been reported in the literature or in a large population database, indicating this variant is rare. Currently the clinical significance of loss-of-function variants in CHEK1 is uncertain. At this time, the clinical significance of this variant is uncertain due to the absence of conclusive functional and genetic evidence.